The following is an entry in ClinVar:

ClinVar aggregate classification (germline): Benign (1 of 4 stars; one submission).

Allele frequency attached by ClinVar (database versions not stated): gnomAD 0.32176 and 0.32207; TOPMed 0.32536; 1000 Genomes Project 0.36082; 1000 Genomes Project 30x 0.36571.
gnomAD v4.1: 48,735 of 152,066 alleles (32%); highest among the groups gnomAD compares: African/African-American, 45%; 8,424 homozygotes.

Submission:

GeneDx
Classification: Benign. Last evaluated: 2018-06-16. Review status: criteria provided, single submitter. Criteria: GeneDx Variant Classification (06012015). Collection method: clinical testing. Allele origin: germline. Affected: yes.
Comment: This variant is considered likely benign or benign based on one or more of the following criteria: it is a conservative change, it occurs at a poorly conserved position in the protein, it is predicted to be benign by multiple in silico algorithms, and/or has population frequency not consistent with disease.

NM_000426.4(LAMA2):c.7572+208T>C

Gene: LAMA2 (laminin subunit alpha 2; plus strand). Cytogenetic location: 6q22.33.
Variant type: single nucleotide variant.
Coding change: c.7572+208T>C on transcript NM_000426.4 (MANE Select); 208 bases into the intron after coding-DNA position 7572, T replaced by C.
Molecular consequence: intron variant.
Genome position (GRCh38, 1-based): chr6:129,479,021, T>C. VCF-style: chr6-129479021-T-C. GRCh37 (hg19) VCF-style: chr6-129800166-T-C.
Other names: c.7560+208T>C (NM_001079823.2).
Identifiers: ClinVar variation 682936 (VCV000682936.1), dbSNP rs7741035, ClinGen allele CA12410274.
Genomic context (GRCh38, chr6:129,479,021, plus strand): 5'-TTCTCTAAATTACCATGATAAAAAATGGTATTATGAAGTCCTAGAATTGTGATCCAATTT[T>C]CCAAATGTATAGCTCTTTATAGCACATATCATTAATACTAATCTCTTTTCTGTTTTTCTC-3'